The following is an entry in ClinVar:

NM_020944.3(GBA2):c.2564G>A (p.Arg855His)

Gene: GBA2 (glucosylceramidase beta 2; minus strand). Cytogenetic location: 9p13.3.
Variant type: single nucleotide variant.
Coding change: c.2564G>A on transcript NM_020944.3 (MANE Select); coding-DNA position 2564, G replaced by A.
Protein change: p.Arg855His; replaces arginine 855 with histidine.
Molecular consequence: missense variant. On other transcripts: 3 prime UTR variant (1).
Genome position (GRCh38, 1-based): chr9:35,737,389, C>T on the plus strand (G>A on the coding strand, the complement: GBA2 is on the minus strand). VCF-style: chr9-35737389-C-T. GRCh37 (hg19) VCF-style: chr9-35737386-C-T.
Other names: c.*87G>A (NM_001330660.2); short protein forms R855H.
Identifiers: ClinVar variation 653072 (VCV000653072.8), dbSNP rs762268140, ClinGen allele CA5050036.

ClinVar aggregate classification (germline): Uncertain significance. Review status: criteria provided, multiple submitters, no conflicts (2 of 4 stars). 2 submissions from 2 submitters: Uncertain significance (2). Last evaluated 2025-09-25.

Conditions:
Inborn genetic diseases. Identifiers: MedGen C0950123, MeSH D030342.
Spastic paraplegia. Identifiers: MedGen C0037772, HP:0001258.

Allele frequency attached by ClinVar (database versions not stated): gnomAD 0.00001; gnomAD exomes 0.00003 and 0.00004; TOPMed 0.00003; ExAC 0.00005.
gnomAD v4.1: 41 of 1,613,978 alleles (0.0025%); highest among the groups gnomAD compares: Admixed American, 0.012%; no homozygotes.

Submissions (2):

Ambry Genetics
Classification: Uncertain significance for Inborn genetic diseases. Last evaluated: 2025-09-25. Review status: criteria provided, single submitter. Criteria: Ambry Variant Classification Scheme 2023. Collection method: clinical testing. Allele origin: germline.

Labcorp Genetics (formerly Invitae), Labcorp
Classification: Uncertain significance for Spastic paraplegia. Last evaluated: 2021-08-27. Review status: criteria provided, single submitter. Criteria: Invitae Variant Classification Sherloc (09022015). Collection method: clinical testing. Allele origin: germline.
Comment: This sequence change replaces arginine with histidine at codon 855 of the GBA2 protein (p.Arg855His). The arginine residue is moderately conserved and there is a small physicochemical difference between arginine and histidine. The frequency data for this variant in the population databases is considered unreliable, as metrics indicate poor data quality at this position in the ExAC database. This variant has not been reported in the literature in individuals affected with GBA2-related conditions. Algorithms developed to predict the effect of missense changes on protein structure and function (SIFT, PolyPhen-2, Align-GVGD) all suggest that this variant is likely to be tolerated. In summary, the available evidence is currently insufficient to determine the role of this variant in disease. Therefore, it has been classified as a Variant of Uncertain Significance.